The following is an entry in ClinVar:

ClinVar aggregate classification (germline): Uncertain significance (1 of 4 stars; one submission).

Conditions:
Familial thoracic aortic aneurysm and aortic dissection (TAAD). Also called: Thoracic aortic aneurysms and dissections. Identifiers: Orphanet 91387, MedGen C4707243, MONDO:0019625.

Submission:

Labcorp Genetics (formerly Invitae), Labcorp
Classification: Uncertain significance for Familial thoracic aortic aneurysm and aortic dissection. Last evaluated: 2024-08-20. Review status: criteria provided, single submitter. Criteria: Invitae Variant Classification Sherloc (09022015). Collection method: clinical testing. Allele origin: germline.
Comment: This sequence change replaces threonine, which is neutral and polar, with alanine, which is neutral and non-polar, at codon 375 of the TGFBR1 protein (p.Thr375Ala). This variant is not present in population databases (gnomAD no frequency). This variant has not been reported in the literature in individuals affected with TGFBR1-related conditions. Invitae Evidence Modeling of protein sequence and biophysical properties (such as structural, functional, and spatial information, amino acid conservation, physicochemical variation, residue mobility, and thermodynamic stability) indicates that this missense variant is expected to disrupt TGFBR1 protein function with a positive predictive value of 80%. In summary, the available evidence is currently insufficient to determine the role of this variant in disease. Therefore, it has been classified as a Variant of Uncertain Significance.

NM_004612.4(TGFBR1):c.1123A>G (p.Thr375Ala)

Gene: TGFBR1 (transforming growth factor beta receptor 1; plus strand). Cytogenetic location: 9q22.33.
Variant type: single nucleotide variant.
Coding change: c.1123A>G on transcript NM_004612.4 (MANE Select); coding-DNA position 1123, A replaced by G.
Protein change: p.Thr375Ala; replaces threonine 375 with alanine.
Molecular consequence: missense variant. On other transcripts: non-coding transcript variant (4).
Genome position (GRCh38, 1-based): chr9:99,144,881, A>G. VCF-style: chr9-99144881-A-G. GRCh37 (hg19) VCF-style: chr9-101907163-A-G.
Other names: c.892A>G, p.Thr298Ala (NM_001130916.3, NM_001407435.1); c.1135A>G, p.Thr379Ala (NM_001306210.2); c.967A>G, p.Thr323Ala (NM_001407416.1); c.955A>G, p.Thr319Ala (NM_001407417.1); c.928A>G, p.Thr310Ala (NM_001407418.1, NM_001407419.1, NM_001407420.1 and 1 more transcripts); c.916A>G, p.Thr306Ala (NM_001407423.1, NM_001407424.1, NM_001407425.1 and 8 more transcripts); c.877A>G, p.Thr293Ala (NM_001407436.1); c.415A>G, p.Thr139Ala (NM_001407437.1); and 1 more; short protein forms T379A, T139A, T293A, T298A, T310A, T216A, T375A, T306A.
Identifiers: ClinVar variation 3714778 (VCV003714778.2).